The following is an entry in ClinVar:

ClinVar aggregate classification (germline): Likely benign (1 of 4 stars; one submission).

gnomAD v4.1: 11 of 1,611,896 alleles (0.00068%); highest among the groups gnomAD compares: African/African-American, 0.0013%; no homozygotes.

Submission:

CeGaT Center for Human Genetics Tuebingen
Classification: Likely benign. Last evaluated: 2025-06-01. Review status: criteria provided, single submitter. Criteria: CeGaT Center For Human Genetics Tuebingen Variant Classification Criteria Version 2. Collection method: clinical testing. Allele origin: germline. Affected: yes. Observed: 1 variant allele.
Comment: TTN: BP4

NM_001267550.2(TTN):c.54533G>A (p.Arg18178His)

Genes: TTN (titin; minus strand), TTN-AS1 (TTN antisense RNA 1; plus strand). Cytogenetic location: 2q31.2.
Variant type: single nucleotide variant.
Coding change: c.54533G>A on transcript NM_001267550.2 (MANE Select); coding-DNA position 54533, G replaced by A.
Protein change: p.Arg18178His; replaces arginine 18178 with histidine.
Molecular consequence: missense variant.
Genome position (GRCh38, 1-based): chr2:178,604,154, C>T on the plus strand (G>A on the coding strand, the complement: TTN is on the minus strand). VCF-style: chr2-178604154-C-T. GRCh37 (hg19) VCF-style: chr2-179468881-C-T.
Other names: c.49610G>A, p.Arg16537His (NM_001256850.1); c.27338G>A, p.Arg9113His (NM_003319.4); c.46829G>A, p.Arg15610His (NM_133378.4); c.27713G>A, p.Arg9238His (NM_133432.3); c.27914G>A, p.Arg9305His (NM_133437.4); short protein forms R15610H, R16537H, R18178H, R9113H, R9238H, R9305H.
Identifiers: ClinVar variation 4084092 (VCV004084092.8).
Genomic context (GRCh38, chr2:178,604,154, plus strand): 5'-ATTGGAGAGCCACCATTGTCCAAAGGAGGAGTCCAGCTCACTAGCATTGATCCTTTGGTG[C>T]GTGCCAAAACTTTTGGTTTTCCTGGAGGTCCAGGAAGGCGATAAGGATCTTGAATGACTA-3'
Protein context (NP_001254479.2, residues 18168-18188): GPPGKPKVLA[Arg18178His]TKGSMLVSWT